The following is an entry in ClinVar:

NM_000038.6(APC):c.3622A>G (p.Thr1208Ala)

Gene: APC (APC regulator of Wnt signaling pathway; plus strand). Cytogenetic location: 5q22.2.
Variant type: single nucleotide variant.
Coding change: c.3622A>G on transcript NM_000038.6 (MANE Select); coding-DNA position 3622, A replaced by G.
Protein change: p.Thr1208Ala; replaces threonine 1208 with alanine.
Molecular consequence: missense variant. On other transcripts: non-coding transcript variant (2).
Genome position (GRCh38, 1-based): chr5:112,839,216, A>G. VCF-style: chr5-112839216-A-G. GRCh37 (hg19) VCF-style: chr5-112174913-A-G.
Other names: c.3676A>G, p.Thr1226Ala (NM_001407448.1, NM_001407449.1, NM_001354896.2 and 1 more transcripts); c.3622A>G, p.Thr1208Ala (NM_001407450.1, NM_001127510.3, NM_001354895.2); c.3601A>G, p.Thr1201Ala (NM_001407451.1); c.3592A>G, p.Thr1198Ala (NM_001407452.1); c.3445A>G, p.Thr1149Ala (NM_001407453.1, NM_001354901.2); c.3319A>G, p.Thr1107Ala (NM_001407458.1, NM_001354903.2, NM_001407459.1 and 1 more transcripts); c.3373A>G, p.Thr1125Ala (NM_001407454.1, NM_001407455.1, NM_001407456.1 and 1 more transcripts); c.3568A>G, p.Thr1190Ala (NM_001127511.3); and 11 more; short protein forms T1048A, T1079A, T1082A, T1107A, T1117A, T1125A, T1149A, T1167A.
Identifiers: ClinVar variation 4801471 (VCV004801471.1).
Genomic context (GRCh38, chr5:112,839,216, plus strand): 5'-CCTTCATCACAGAAACAGTCATTTTCATTCTCAAAGAGTTCATCTGGACAAAGCAGTAAA[A>G]CCGAACATATGTCTTCAAGCAGTGAGAATACGTCCACACCTTCATCTAATGCCAAGAGGC-3'
Protein context (NP_000029.2, residues 1198-1218): SKSSSGQSSK[Thr1208Ala]EHMSSSSENT

ClinVar aggregate classification (germline): Uncertain significance (1 of 4 stars; one submission).

Conditions:
Familial adenomatous polyposis 1 (FAP1). Also called: FAMILIAL ADENOMATOUS POLYPOSIS 1, ATTENUATED; POLYPOSIS, ADENOMATOUS INTESTINAL. Identifiers: MedGen C2713442, MONDO:0021056, OMIM 175100. Disease mechanism: loss of function.

Submission:

Labcorp Genetics (formerly Invitae), Labcorp
Classification: Uncertain significance for Familial adenomatous polyposis 1. Last evaluated: 2025-12-22. Review status: criteria provided, single submitter. Criteria: Invitae Variant Classification Sherloc (09022015). Collection method: clinical testing. Allele origin: germline.
Comment: This sequence change replaces threonine, which is neutral and polar, with alanine, which is neutral and non-polar, at codon 1208 of the APC protein (p.Thr1208Ala). This variant is not present in population databases (gnomAD no frequency). This variant has not been reported in the literature in individuals affected with APC-related conditions. Invitae Evidence Modeling of protein sequence and biophysical properties (such as structural, functional, and spatial information, amino acid conservation, physicochemical variation, residue mobility, and thermodynamic stability) indicates that this missense variant is not expected to disrupt APC protein function with a negative predictive value of 95%. In summary, the available evidence is currently insufficient to determine the role of this variant in disease. Therefore, it has been classified as a Variant of Uncertain Significance.